The following is an entry in ClinVar:

NM_002661.5(PLCG2):c.265C>T (p.Arg89Cys)

Gene: PLCG2 (phospholipase C gamma 2; plus strand). Cytogenetic location: 16q23.3.
Variant type: single nucleotide variant.
Coding change: c.265C>T on transcript NM_002661.5 (MANE Select); coding-DNA position 265, C replaced by T.
Protein change: p.Arg89Cys; replaces arginine 89 with cysteine.
Molecular consequence: missense variant.
Genome position (GRCh38, 1-based): chr16:81,854,515, C>T. VCF-style: chr16-81854515-C-T. GRCh37 (hg19) VCF-style: chr16-81888120-C-T.
Other names: short protein forms R89C.
Identifiers: ClinVar variation 939532 (VCV000939532.11), dbSNP rs199638859, ClinGen allele CA8193111.

ClinVar aggregate classification (germline): Uncertain significance. Review status: criteria provided, multiple submitters, no conflicts (2 of 4 stars). 2 submissions from 2 submitters: Uncertain significance (2). Last evaluated 2025-02-08.

Conditions:
Familial cold autoinflammatory syndrome 3 (FCAS3). Also called: FAMILIAL ATYPICAL COLD URTICARIA; ANTIBODY DEFICIENCY AND IMMUNE DYSREGULATION, PLCG2-ASSOCIATED. Identifiers: Orphanet 300359, MedGen C3280914, MONDO:0013766, OMIM 614468.

Allele frequency attached by ClinVar (database versions not stated): TOPMed 0.00001; gnomAD exomes 0.00004 and 0.00008; ExAC 0.00007; gnomAD 0.00008; 1000 Genomes Project 30x 0.00016; 1000 Genomes Project 0.00020.
gnomAD v4.1: 66 of 1,613,626 alleles (0.0041%); highest among the groups gnomAD compares: Admixed American, 0.0017%; no homozygotes.

Submissions (2):

Labcorp Genetics (formerly Invitae), Labcorp
Classification: Uncertain significance for Familial cold autoinflammatory syndrome 3. Last evaluated: 2025-02-08. Review status: criteria provided, single submitter. Criteria: Invitae Variant Classification Sherloc (09022015). Collection method: clinical testing. Allele origin: germline.
Comment: This sequence change replaces arginine, which is basic and polar, with cysteine, which is neutral and slightly polar, at codon 89 of the PLCG2 protein (p.Arg89Cys). This variant is present in population databases (rs199638859, gnomAD 0.07%), and has an allele count higher than expected for a pathogenic variant. This variant has not been reported in the literature in individuals affected with PLCG2-related conditions. ClinVar contains an entry for this variant (Variation ID: 939532). An algorithm developed to predict the effect of missense changes on protein structure and function (PolyPhen-2) suggests that this variant is likely to be disruptive. In summary, the available evidence is currently insufficient to determine the role of this variant in disease. Therefore, it has been classified as a Variant of Uncertain Significance.

Blueprint Genetics
Classification: Uncertain significance. Last evaluated: 2023-08-31. Review status: criteria provided, single submitter. Criteria: ACMG Guidelines, 2015. Collection method: clinical testing. Allele origin: germline.